The following is an entry in ClinVar:

ClinVar aggregate classification (germline): Pathogenic/Likely pathogenic. Review status: criteria provided, multiple submitters, no conflicts (2 of 4 stars). 12 submissions from 12 submitters: Pathogenic (8); Likely pathogenic (3). 1 of the submissions does not count toward it. Last evaluated 2025-10-29.

Conditions:
Polycystic kidney disease, adult type (PKD1). Also called: POLYCYSTIC KIDNEY DISEASE, ADULT, TYPE I; Polycystic Kidney, Autosomal Dominant; POLYCYSTIC KIDNEY DISEASE 1 WITH OR WITHOUT POLYCYSTIC LIVER DISEASE; Polycystic Kidney Disease 1, Autosomal Dominant; Polycystic kidney disease 1; Polycystic kidney disease 1, severe. Identifiers: MedGen C3149841, MONDO:0008263, OMIM 173900.
PKD1-related disorder. Also called: PKD1-related condition.
Polycystic kidney disease 3 with or without polycystic liver disease. Also called: Polycystic kidney disease 3; POLYCYSTIC KIDNEY DISEASE, ADULT, TYPE III; Polycystic Kidney and/or Polycystic Liver Disease 3. Identifiers: MedGen C3887964, MONDO:0010916, OMIM 600666.
Polycystic kidney disease. Also called: Polycystic kidney dysplasia; Kidney, Polycystic. Identifiers: MedGen C0022680, MeSH D007690, MONDO:0020642, HP:0000113.

Submissions 1 to 9 of 12:

Institute of Human Genetics, University of Leipzig Medical Center
Classification: Pathogenic for Polycystic kidney disease, adult type. Last evaluated: 2025-10-29. Review status: criteria provided, single submitter. Criteria: ACMG Guidelines, 2015. Collection method: clinical testing. Allele origin: unknown. Inheritance: Autosomal dominant inheritance. Affected: yes.
Comment: Criteria applied: PVS1(RNA),PS4,PM2_SUP

GeneDx
Classification: Likely pathogenic. Last evaluated: 2025-07-20. Review status: criteria provided, single submitter. Criteria: GeneDx Variant Classification Process June 2021. Collection method: clinical testing. Allele origin: germline. Affected: yes.
Comment: Published functional studies demonstrate this variant results in utilization of an alternate splice acceptor site leading to a truncating frameshift (PMID: 17582161); Not observed at significant frequency in large population cohorts (gnomAD); In silico analysis supports a deleterious effect on splicing; This variant is associated with the following publications: (PMID: 34713645, 33454723, 10854095, 36938073, 36755831, 27499327, 17582161, 36273432, 38481516, 37372416, 37509056, 38527221)

Variantyx, Inc.
Classification: Pathogenic for Polycystic kidney disease, adult type. Last evaluated: 2025-07-11. Review status: criteria provided, single submitter. Criteria: Variantyx Assertion Criteria 2022. Collection method: clinical testing. Allele origin: germline. Inheritance: Autosomal dominant inheritance. Affected: yes.
Comment: This is an intronic variant in the PKD1 gene (OMIM: 601313). Pathogenic variants in this gene have been associated with autosomal dominant polycystic kidney disease 1. This intronic variant is expected to result in loss of function, which is a known disease mechanism for PKD1 in this disorder (PMID: 17582161) (PVS1). It has been reported in at least 6 unrelated affected individuals (PMID: 17582161, 27499327, 35778421, 37509056, 38481516, 38527221) (PS4_Moderate)., and it has a 0.0012% maximum allele frequency in non-founder control populations (PM2). Based on the current evidence, this variant is classified as pathogenic for autosomal dominant polycystic kidney disease 1.

Women's Health and Genetics/Laboratory Corporation of America, LabCorp
Classification: Pathogenic for Polycystic kidney disease, adult type. Last evaluated: 2025-06-16. Review status: criteria provided, single submitter. Criteria: LabCorp Variant Classification Summary - May 2015. Collection method: clinical testing. Allele origin: germline.
Comment: Variant summary: PKD1 c.6916-9G>A alters a nucleotide located at a position not widely known to affect splicing. However, several computational tools predict a significant impact on normal splicing: Two predict the variant abolishes the canonical 3' acceptor site and one predicts the variant weakens the 3' acceptor site. Additionally, four predict the variant creates a cryptic 3' acceptor site. At least one publication reports experimental evidence that this variant indeed affects mRNA splicing, creating a new 3' acceptor site that results in the insertion of 7 nucleotides, expected to result in a frameshift (e.g. Rossetti_2007). The variant was absent in 166728 control chromosomes. c.6916-9G>A has been observed in multiple individuals affected with Autosomal Dominant Polycystic Kidney Disease (e.g.Rossetti_2007, Carrera_2016, Yu_2022). These data indicate that the variant is likely to be associated with disease. The following publications have been ascertained in the context of this evaluation (PMID: 27499327, 17582161, 35778421). ClinVar contains an entry for this variant (Variation ID: 623209). Based on the evidence outlined above, the variant was classified as pathogenic.

Genetic Services Laboratory, University of Chicago
Classification: Likely pathogenic. Last evaluated: 2025-05-02. Review status: criteria provided, single submitter. Criteria: ACMG Guidelines, 2015. Collection method: clinical testing. Allele origin: germline.
Comment: The c.6916-9G>A variant: Is located near the canonical splice acceptor site in intron 15. Has been previously described in several unrelated individuals with PKD1-related disorders (PMID: 27499327, 17582161). Has not been described in population databases such as gnomAD v4. Is predicted to have an impact on normal splicing of the PKD1 gene by in-silico splice prediction programs. Has been demonstrated by functional analyses to impact RT-PCR of the PKD1 transcript (PMID: 17582161). ClinVar contains an entry for this variant (Variation ID: 623209). Collectively, this evidence indicates that this variant is likely pathogenic.

PreventionGenetics, part of Exact Sciences
Classification: Pathogenic for PKD1-related condition. Last evaluated: 2025-04-06. Review status: criteria provided, single submitter. Criteria: ACMG Guidelines, 2015. Collection method: clinical testing. Allele origin: germline.
Comment: The PKD1 c.6916-9G>A variant is predicted to interfere with splicing. This variant is predicted to alter splicing based on available splicing prediction programs (Alamut Visual Plus v1.6.1 and Splice AI, Jaganathan et al. 2019. PubMed ID: 30661751). This variant has not been reported in a large population database (gnomAD), indicating this variant is rare. It has been reported in multiple unrelated patients with autosomal dominant polycystic kidney disease (ADPKD) (see for example, Suppl. Table S4, Carrera et al. 2016. PubMed ID: 27499327; IVS15–9G>A in Rossetti et al. 2007. PubMed ID: 17582161; Supplementary Data, Lindemann et al. 2023. PubMed ID: 36938073). Of note, at PreventionGenetics, we have previously found this variant in the heterozygous state in multiple presumably unrelated patients tested for polycystic kidney disease (internal data). This variant is interpreted as pathogenic.

Fulgent Genetics
Classification: Pathogenic for Polycystic kidney disease, adult type. Last evaluated: 2024-06-25. Review status: criteria provided, single submitter. Criteria: ACMG Guidelines, 2015. Collection method: clinical testing. Allele origin: germline.

Victorian Clinical Genetics Services, Murdoch Childrens Research Institute
Classification: Pathogenic for Polycystic kidney disease, adult type. Last evaluated: 2023-07-17. Review status: criteria provided, single submitter. Criteria: ACMG Guidelines, 2015. Collection method: clinical testing. Allele origin: germline. Inheritance: Autosomal dominant inheritance. Affected: yes.
Comment: Based on the classification scheme VCGS_Germline_v1.3.4, this variant is classified as Pathogenic. Following criteria are met: 0102 - Loss of function is a known mechanism of disease in this gene and is associated with Polycystic kidney disease 1 (MIM#173900). (I) 0107 - This gene is associated with autosomal dominant disease. Polycystic kidney disease 1 (MIM#173900) is predominantly caused by monoallelic variants, with rare reports of biallelic variants causing disease (OMIM). (I) 0210 - Splice site variant proven to affect splicing of the transcript with a known effect on protein sequence. RT-PCR analysis has shown a new acceptor site is being used resulting in the insertion of seven nucleotides. The expected outcome in protein, p.(Arg2306fs*10), is predicted to cause nonsense-mediated decay (NMD) (PMID: 17582161). (SP) 0251 - This variant is heterozygous. (I) 0301 - Variant is absent from gnomAD (both v2 and v3). (SP) 0701 - Other variants predicted to cause NMD comparable to the one identified in this case have very strong previous evidence for pathogenicity (DECIPHER). (SP) 0801 - This variant has strong previous evidence of pathogenicity in unrelated individuals. It has been regarded as likely pathogenic (ADPKD database) and pathogenic (ClinVar) and detected in individuals with ADPKD (PMIDs: 17582161, 36755831). (SP) Legend: (SP) - Supporting pathogenic, (I) - Information, (SB) - Supporting benign

Molecular Diagnostics Laboratory, M Health Fairview: University of Minnesota
Classification: Likely pathogenic for Polycystic kidney disease 3 with or without polycystic liver disease. Last evaluated: 2017-12-08. Review status: criteria provided, single submitter. Criteria: ACMG Guidelines, 2015. Collection method: clinical testing. Allele origin: germline. Affected: yes. Observed: 1 variant allele.

NM_001009944.3(PKD1):c.6916-9G>A

Gene: PKD1 (polycystin 1, transient receptor potential channel interacting; minus strand). Cytogenetic location: 16p13.3.
Variant type: single nucleotide variant.
Coding change: c.6916-9G>A on transcript NM_001009944.3 (MANE Select); 9 bases into the intron before coding-DNA position 6916, G replaced by A.
Molecular consequence: intron variant.
Genome position (GRCh38, 1-based): chr16:2,108,041, C>T on the plus strand (G>A on the coding strand, the complement: PKD1 is on the minus strand). VCF-style: chr16-2108041-C-T. GRCh37 (hg19) VCF-style: chr16-2158042-C-T.
Other names: c.6916-9G>A (NM_000296.4).
Identifiers: ClinVar variation 623209 (VCV000623209.15), dbSNP rs1567190244, ClinGen allele CA913190661.
Genomic context (GRCh38, chr16:2,108,041, plus strand): 5'-CCGTGCTGCTCCCGCGGGGCCCAAAGTTCAGCGCACACCCGCCAGCCTCCCTCTGCAGGC[C>T]GAGAACAAGGGGCGACGTGGCCTGAGAGCCCCATCCAGTTTTAAAGCAGAGCCCGGCCCA-3'